The following is an entry in ClinVar:

ClinVar aggregate classification (germline): Uncertain significance (1 of 4 stars; one submission).

Conditions:
DK1-congenital disorder of glycosylation. Also called: CONGENITAL DISORDER OF GLYCOSYLATION, TYPE Im; DK1-CDG; CDG Im; DK1 DEFICIENCY; DOLICHOL KINASE DEFICIENCY; DOLK-congenital disorder of glycosylation. Identifiers: Orphanet 91131, MedGen C1835849, MONDO:0012556, OMIM 610768.

Submission:

Labcorp Genetics (formerly Invitae), Labcorp
Classification: Uncertain significance for DK1-congenital disorder of glycosylation. Last evaluated: 2022-10-21. Review status: criteria provided, single submitter. Criteria: Invitae Variant Classification Sherloc (09022015). Collection method: clinical testing. Allele origin: germline.
Comment: This sequence change replaces threonine, which is neutral and polar, with isoleucine, which is neutral and non-polar, at codon 476 of the DOLK protein (p.Thr476Ile). Information on the frequency of this variant in the gnomAD database is not available, as this variant may be reported differently in the database. This variant has not been reported in the literature in individuals affected with DOLK-related conditions. Algorithms developed to predict the effect of missense changes on protein structure and function are either unavailable or do not agree on the potential impact of this missense change (SIFT: "Not Available"; PolyPhen-2: "Probably Damaging"; Align-GVGD: "Not Available"). In summary, the available evidence is currently insufficient to determine the role of this variant in disease. Therefore, it has been classified as a Variant of Uncertain Significance.

NM_014908.4(DOLK):c.1427_1428delinsTT (p.Thr476Ile)

Gene: DOLK (dolichol kinase; minus strand). Cytogenetic location: 9q34.11.
Variant type: Indel.
Coding change: c.1427_1428delinsTT on transcript NM_014908.4 (MANE Select); coding-DNA positions 1427 to 1428, CC replaced by TT.
Protein change: p.Thr476Ile; replaces threonine 476 with isoleucine.
Molecular consequence: missense variant.
Genome position (GRCh38, 1-based): chr9:128,945,876-128,945,877, GG replaced by AA on the plus strand (CC replaced by TT on the coding strand, the reverse complement: DOLK is on the minus strand). VCF-style: chr9-128945876-GG-AA. GRCh37 (hg19) VCF-style: chr9-131708155-GG-AA.
Other names: short protein forms T476I.
Identifiers: ClinVar variation 1992450 (VCV001992450.1), dbSNP rs2492002727, ClinGen allele CA2580079778.